The following is an entry in ClinVar:

ClinVar aggregate classification (germline): Likely benign. Review status: criteria provided, multiple submitters, no conflicts (2 of 4 stars). 3 submissions from 3 submitters: Likely benign (3). Last evaluated 2025-09-12.

Conditions:
Joubert syndrome. Also called: JOUBERT-BOLTSHAUSER SYNDROME; Familial aplasia of the vermis. Identifiers: Orphanet 475, MedGen C5979921, MONDO:0018772.
Meckel-Gruber syndrome. Also called: Dysencephalia splachnocystica; DYSENCEPHALIA SPLANCHNOCYSTICA; GRUBER SYNDROME. Identifiers: Orphanet 564, MedGen C0265215, MONDO:0018921.
Nephronophthisis. Also called: Juvenile Nephronophthisis. Identifiers: Orphanet 655, MedGen C0687120, MONDO:0019005, HP:0000090.

Allele frequency attached by ClinVar (database versions not stated): gnomAD exomes 0.00001.
gnomAD v4.1: 4 of 1,546,778 alleles (0.00026%); highest among the groups gnomAD compares: South Asian, 0.0037%; no homozygotes.

Submissions (3):

Mayo Clinic Laboratories, Mayo Clinic
Classification: Likely benign. Last evaluated: 2025-09-12. Review status: criteria provided, single submitter. Criteria: ACMG Guidelines, 2015. Collection method: clinical testing. Allele origin: germline. Observed: 1 variant allele.
Comment: BP4, BP7, PM2_supporting

CeGaT Center for Human Genetics Tuebingen
Classification: Likely benign. Last evaluated: 2024-07-01. Review status: criteria provided, single submitter. Criteria: CeGaT Center For Human Genetics Tuebingen Variant Classification Criteria Version 2. Collection method: clinical testing. Allele origin: germline. Affected: yes. Observed: 1 variant allele.
Comment: CEP290: BP4, BP7

Labcorp Genetics (formerly Invitae), Labcorp
Classification: Likely benign for Joubert syndrome; Meckel-Gruber syndrome; Nephronophthisis. Last evaluated: 2024-03-24. Review status: criteria provided, single submitter. Criteria: Invitae Variant Classification Sherloc (09022015). Collection method: clinical testing. Allele origin: germline.

NM_025114.4(CEP290):c.2574A>G (p.Val858=)

Gene: CEP290 (centrosomal protein 290; minus strand). Cytogenetic location: 12q21.32.
Variant type: single nucleotide variant.
Coding change: c.2574A>G on transcript NM_025114.4 (MANE Select); coding-DNA position 2574, A replaced by G.
Protein change: p.Val858=; no amino-acid change (valine 858 retained).
Molecular consequence: synonymous variant.
Genome position (GRCh38, 1-based): chr12:88,107,008, T>C on the plus strand (A>G on the coding strand, the complement: CEP290 is on the minus strand). VCF-style: chr12-88107008-T-C. GRCh37 (hg19) VCF-style: chr12-88500785-T-C.
Other names: p.Val858=.
Identifiers: ClinVar variation 1133534 (VCV001133534.34), dbSNP rs768235992, ClinGen allele CA6712313.